The following is an entry in ClinVar:

NM_000548.5(TSC2):c.1494G>C (p.Glu498Asp)

Gene: TSC2 (TSC complex subunit 2; plus strand). Cytogenetic location: 16p13.3.
Variant type: single nucleotide variant.
Coding change: c.1494G>C on transcript NM_000548.5 (MANE Select); coding-DNA position 1494, G replaced by C.
Protein change: p.Glu498Asp; replaces glutamic acid 498 with aspartic acid.
Molecular consequence: missense variant. On other transcripts: 5 prime UTR variant (1), non-coding transcript variant (5).
Genome position (GRCh38, 1-based): chr16:2,064,322, G>C. VCF-style: chr16-2064322-G-C. GRCh37 (hg19) VCF-style: chr16-2114323-G-C.
Other names: c.1347G>C, p.Glu449Asp (NM_001406676.1, NM_001406679.1, NM_001406675.1 and 1 more transcripts); c.1437G>C, p.Glu479Asp (NM_001406677.1); c.1383G>C, p.Glu461Asp (NM_001406678.1, NM_001406670.1, NM_001318827.2); c.894G>C, p.Glu298Asp (NM_001406680.1, NM_001406682.1, NM_001406683.1 and 6 more transcripts); c.1032G>C, p.Glu344Asp (NM_001406681.1); c.1494G>C, p.Glu498Asp (NM_001406663.1, NM_001406664.1, NM_001406665.1 and 6 more transcripts); c.1584G>C, p.Glu528Asp (NM_001406667.1, NM_001406668.1); c.1482G>C, p.Glu494Asp (NM_001406671.1, NM_001406673.1); and 3 more; short protein forms E449D, E479D, E461D, E498D, E509D, E494D, E50D, E298D.
Identifiers: ClinVar variation 4192138 (VCV004192138.1).

ClinVar aggregate classification (germline): Uncertain significance (1 of 4 stars; one submission).

Conditions:
Hereditary cancer-predisposing syndrome. Also called: Neoplastic Syndromes, Hereditary; Tumor predisposition; Hereditary Cancer Syndrome; Hereditary neoplastic syndrome. Identifiers: Orphanet 140162, MedGen C0027672, MeSH D009386, MONDO:0015356.

Submission:

Ambry Genetics
Classification: Uncertain significance for Hereditary cancer-predisposing syndrome. Last evaluated: 2025-06-21. Review status: criteria provided, single submitter. Criteria: Ambry Variant Classification Scheme 2023. Collection method: clinical testing. Allele origin: germline.
Comment: The p.E498D variant (also known as c.1494G>C), located in coding exon 14 of the TSC2 gene, results from a G to C substitution at nucleotide position 1494. The glutamic acid at codon 498 is replaced by aspartic acid, an amino acid with highly similar properties. This amino acid position is conserved. In addition, the in silico prediction for this alteration is inconclusive. Based on the available evidence, the clinical significance of this variant remains unclear.